The following is an entry in ClinVar:

NM_001161748.2(LIM2):c.243G>C (p.Met81Ile)

Gene: LIM2 (lens intrinsic membrane protein 2; minus strand). Cytogenetic location: 19q13.41.
Variant type: single nucleotide variant.
Coding change: c.243G>C on transcript NM_001161748.2 (MANE Select); coding-DNA position 243, G replaced by C.
Protein change: p.Met81Ile; replaces methionine 81 with isoleucine.
Molecular consequence: missense variant.
Genome position (GRCh38, 1-based): chr19:51,382,500, C>G on the plus strand (G>C on the coding strand, the complement: LIM2 is on the minus strand). VCF-style: chr19-51382500-C-G. GRCh37 (hg19) VCF-style: chr19-51885754-C-G.
Other names: c.369G>C, p.Met123Ile (NM_030657.4); short protein forms M123I, M81I.
Identifiers: ClinVar variation 3538274 (VCV003538274.3).

ClinVar aggregate classification (germline): Uncertain significance. Review status: criteria provided, multiple submitters, no conflicts (2 of 4 stars). 2 submissions from 2 submitters: Uncertain significance (2). Last evaluated 2025-01-22.

Conditions:
Inborn genetic diseases. Identifiers: MedGen C0950123, MeSH D030342.
Cataract 19 multiple types. Also called: CATARACT 19, CONGENITAL TOTAL; CATARACT 19, CORTICAL PULVERULENT. Identifiers: Orphanet 91492, MedGen C3809004, MONDO:0014111, OMIM 615277.

Submissions (2):

Labcorp Genetics (formerly Invitae), Labcorp
Classification: Uncertain significance for Cataract 19 multiple types. Last evaluated: 2025-01-22. Review status: criteria provided, single submitter. Criteria: Invitae Variant Classification Sherloc (09022015). Collection method: clinical testing. Allele origin: germline.
Comment: This sequence change replaces methionine, which is neutral and non-polar, with isoleucine, which is neutral and non-polar, at codon 123 of the LIM2 protein (p.Met123Ile). This variant is present in population databases (rs371357866, gnomAD 0.05%). This variant has not been reported in the literature in individuals affected with LIM2-related conditions. An algorithm developed to predict the effect of missense changes on protein structure and function outputs the following: PolyPhen-2: "Benign". The isoleucine amino acid residue is found in multiple mammalian species, which suggests that this missense change does not adversely affect protein function. In summary, the available evidence is currently insufficient to determine the role of this variant in disease. Therefore, it has been classified as a Variant of Uncertain Significance.

Ambry Genetics
Classification: Uncertain significance for Inborn genetic diseases. Last evaluated: 2024-11-13. Review status: criteria provided, single submitter. Criteria: Ambry Variant Classification Scheme 2023. Collection method: clinical testing. Allele origin: germline.